The following is an entry in ClinVar:

NM_016035.5(COQ4):c.577C>T (p.Pro193Ser)

Gene: COQ4 (coenzyme Q4; plus strand). Cytogenetic location: 9q34.11.
Variant type: single nucleotide variant.
Coding change: c.577C>T on transcript NM_016035.5 (MANE Select); coding-DNA position 577, C replaced by T.
Protein change: p.Pro193Ser; replaces proline 193 with serine.
Molecular consequence: missense variant. On other transcripts: intron variant (1).
Genome position (GRCh38, 1-based): chr9:128,332,894, C>T. VCF-style: chr9-128332894-C-T. GRCh37 (hg19) VCF-style: chr9-131095173-C-T.
Other names: c.*3-580C>T (NM_001305942.2); short protein forms P193S.
Identifiers: ClinVar variation 915900 (VCV000915900.8), dbSNP rs568200779, ClinGen allele CA200342297.

ClinVar aggregate classification (germline): Conflicting classifications of pathogenicity. Review status: criteria provided, conflicting classifications (1 of 4 stars). 3 submissions from 3 submitters: Pathogenic (1); Uncertain significance (1). 1 of the submissions does not count toward it. Last evaluated 2022-04-19.

Conditions:
Spastic ataxia. Identifiers: Orphanet 316226, MedGen C1849156, MONDO:0017845, HP:0002497.
Neonatal encephalomyopathy-cardiomyopathy-respiratory distress syndrome. Also called: Coenzyme Q10 deficiency, primary, 7. Identifiers: Orphanet 457185, MedGen C5568562, MONDO:0014562, OMIM 616276.

Allele frequency attached by ClinVar (database versions not stated): gnomAD exomes below 0.00001; TOPMed below 0.00001.

Submissions (3):

Labcorp Genetics (formerly Invitae), Labcorp
Classification: Uncertain significance for Neonatal encephalomyopathy-cardiomyopathy-respiratory distress syndrome. Last evaluated: 2022-04-19. Review status: criteria provided, single submitter. Criteria: Invitae Variant Classification Sherloc (09022015). Collection method: clinical testing. Allele origin: germline.
Comment: This missense change has been observed in individual(s) with clinical features of coenzyme Q10 deficiency (PMID: 33704555). ClinVar contains an entry for this variant (Variation ID: 915900). Algorithms developed to predict the effect of missense changes on protein structure and function (SIFT, PolyPhen-2, Align-GVGD) all suggest that this variant is likely to be disruptive. Experimental studies have shown that this missense change affects COQ4 function (PMID: 33704555). In summary, the available evidence is currently insufficient to determine the role of this variant in disease. Therefore, it has been classified as a Variant of Uncertain Significance. This variant is not present in population databases (gnomAD no frequency). This sequence change replaces proline, which is neutral and non-polar, with serine, which is neutral and polar, at codon 193 of the COQ4 protein (p.Pro193Ser).

Molecular Medicine for Neurodegenerative and Neuromuscular Diseases Unit, IRCCS Fondazione Stella Maris
Classification: Pathogenic for Spastic ataxia. Last evaluated: 2021-01-04. Review status: criteria provided, single submitter. Criteria: ACMG Guidelines, 2015. Collection method: research. Allele origin: inherited. Affected: yes.

OMIM
Classification: Pathogenic for COENZYME Q10 DEFICIENCY, PRIMARY, 7. Last evaluated: 2021-04-20. Review status: no assertion criteria provided. Collection method: literature only. Allele origin: germline. Not counted in ClinVar's aggregate classification.

Literature cited by the submitters: PubMed 33704555 (cited by Labcorp Genetics (formerly Invitae), Labcorp and OMIM).